The following is an entry in ClinVar:

ClinVar aggregate classification (germline): Likely pathogenic (1 of 4 stars; one submission).

Submission:

GeneDx
Classification: Likely pathogenic. Last evaluated: 2026-01-27. Review status: criteria provided, single submitter. Criteria: GeneDx Variant Classification Process June 2021. Collection method: clinical testing. Allele origin: germline.
Comment: Not observed at significant frequency in large population cohorts (gnomAD); In silico analyses support that this missense variant does not alter protein structure/function but has a deleterious effect on splicing; This variant is associated with the following publications: (PMID: 39680505, 38128548)

NM_003074.4(SMARCC1):c.2024A>G (p.Asp675Gly)

Gene: SMARCC1 (SWI/SNF related BAF chromatin remodeling complex subunit C1; minus strand). Cytogenetic location: 3p21.31.
Variant type: single nucleotide variant.
Coding change: c.2024A>G on transcript NM_003074.4 (MANE Select); coding-DNA position 2024, A replaced by G.
Protein change: p.Asp675Gly; replaces aspartic acid 675 with glycine.
Molecular consequence: missense variant.
Genome position (GRCh38, 1-based): chr3:47,662,468, T>C on the plus strand (A>G on the coding strand, the complement: SMARCC1 is on the minus strand). VCF-style: chr3-47662468-T-C. GRCh37 (hg19) VCF-style: chr3-47703958-T-C.
Other names: short protein forms D675G.
Identifiers: ClinVar variation 3342482 (VCV003342482.2).
Genomic context (GRCh38, chr3:47,662,468, plus strand): 5'-ACTGGATTTCCTGACTGACTGAAGGGGACAGGCTGGTAGGCCAAAGGCCCAAGGGAAGCA[T>C]CTGAATTCTCAAGGTATGGGTCCTCAATGGGAAGTCTCAAAAAGTGGAGGATGCATTCAT-3'
Protein context (NP_003065.3, residues 665-685): PIEDPYLENS[Asp675Gly]ASLGPLAYQP